The following is an entry in ClinVar:

ClinVar aggregate classification (germline): Uncertain significance (1 of 4 stars; one submission).

Conditions:
Hereditary cancer-predisposing syndrome. Also called: Neoplastic Syndromes, Hereditary; Hereditary Cancer Syndrome; Hereditary neoplastic syndrome; Tumor predisposition. Identifiers: Orphanet 140162, MedGen C0027672, MeSH D009386, MONDO:0015356.

Submission:

Ambry Genetics
Classification: Uncertain significance for Hereditary cancer-predisposing syndrome. Last evaluated: 2023-03-19. Review status: criteria provided, single submitter. Criteria: Ambry Variant Classification Scheme 2023. Collection method: clinical testing. Allele origin: germline.
Comment: The p.C1012F variant (also known as c.3035G>T), located in coding exon 23 of the POLD1 gene, results from a G to T substitution at nucleotide position 3035. The cysteine at codon 1012 is replaced by phenylalanine, an amino acid with highly dissimilar properties. This amino acid position is conserved. In addition, this alteration is predicted to be deleterious by in silico analysis. Since supporting evidence is limited at this time, the clinical significance of this alteration remains unclear.

NM_002691.4(POLD1):c.3035G>T (p.Cys1012Phe)

Gene: POLD1 (DNA polymerase delta 1, catalytic subunit; plus strand). Cytogenetic location: 19q13.33.
Variant type: single nucleotide variant.
Coding change: c.3035G>T on transcript NM_002691.4 (MANE Select); coding-DNA position 3035, G replaced by T.
Protein change: p.Cys1012Phe; replaces cysteine 1012 with phenylalanine.
Molecular consequence: missense variant. On other transcripts: non-coding transcript variant (1).
Genome position (GRCh38, 1-based): chr19:50,416,691, G>T. VCF-style: chr19-50416691-G-T. GRCh37 (hg19) VCF-style: chr19-50919948-G-T.
Other names: c.3035G>T, p.Cys1012Phe (NM_001256849.1); c.3113G>T, p.Cys1038Phe (NM_001308632.1); short protein forms C1012F, C1038F.
Identifiers: ClinVar variation 2563165 (VCV002563165.2), dbSNP rs1057519693, ClinGen allele CA406986967.